The following is an entry in ClinVar:

NM_000179.3(MSH6):c.1499C>A (p.Ala500Glu)

Gene: MSH6 (mutS homolog 6; plus strand). Cytogenetic location: 2p16.3.
Variant type: single nucleotide variant.
Coding change: c.1499C>A on transcript NM_000179.3 (MANE Select); coding-DNA position 1499, C replaced by A.
Protein change: p.Ala500Glu; replaces alanine 500 with glutamic acid.
Molecular consequence: missense variant.
Genome position (GRCh38, 1-based): chr2:47,799,482, C>A. VCF-style: chr2-47799482-C-A. GRCh37 (hg19) VCF-style: chr2-48026621-C-A.
Other names: c.1109C>A, p.Ala370Glu (NM_001281492.2); c.593C>A, p.Ala198Glu (NM_001281493.2, NM_001281494.2); short protein forms A500E, A370E, A198E.
Identifiers: ClinVar variation 1502499 (VCV001502499.8), dbSNP rs1114167795, ClinGen allele CA346746196.

ClinVar aggregate classification (germline): Uncertain significance (1 of 4 stars; one submission).

Conditions:
Hereditary nonpolyposis colorectal neoplasms. Identifiers: MedGen C0009405, MeSH D003123.

Submission:

Labcorp Genetics (formerly Invitae), Labcorp
Classification: Uncertain significance for Hereditary nonpolyposis colorectal neoplasms. Last evaluated: 2021-06-08. Review status: criteria provided, single submitter. Criteria: Invitae Variant Classification Sherloc (09022015). Collection method: clinical testing. Allele origin: germline.
Comment: This variant has not been reported in the literature in individuals with MSH6-related conditions. Advanced modeling of protein sequence and biophysical properties (such as structural, functional, and spatial information, amino acid conservation, physicochemical variation, residue mobility, and thermodynamic stability) performed at Invitae indicates that this missense variant is not expected to disrupt MSH6 protein function. In summary, the available evidence is currently insufficient to determine the role of this variant in disease. Therefore, it has been classified as a Variant of Uncertain Significance. This variant is not present in population databases (ExAC no frequency). This sequence change replaces alanine with glutamic acid at codon 500 of the MSH6 protein (p.Ala500Glu). The alanine residue is weakly conserved and there is a moderate physicochemical difference between alanine and glutamic acid.